The following is an entry in ClinVar:

ClinVar aggregate classification (germline): Uncertain significance (1 of 4 stars; one submission).

Conditions:
Autoimmune lymphoproliferative syndrome type 1. Also called: AUTOIMMUNE LYMPHOPROLIFERATIVE SYNDROME, TYPE I, AUTOSOMAL DOMINANT. Identifiers: Orphanet 3261, MedGen C2717884, MONDO:0011158, OMIM 601859.

Allele frequency attached by ClinVar (database versions not stated): gnomAD exomes 0.00001; ExAC 0.00001.
gnomAD v4.1: 7 of 1,613,948 alleles (0.00043%); highest among the groups gnomAD compares: Non-Finnish European, 0.00059%; no homozygotes.

Submission:

Labcorp Genetics (formerly Invitae), Labcorp
Classification: Uncertain significance for Autoimmune lymphoproliferative syndrome. Last evaluated: 2023-07-09. Review status: criteria provided, single submitter. Criteria: Invitae Variant Classification Sherloc (09022015). Collection method: clinical testing. Allele origin: germline.
Comment: In summary, the available evidence is currently insufficient to determine the role of this variant in disease. Therefore, it has been classified as a Variant of Uncertain Significance. Advanced modeling of protein sequence and biophysical properties (such as structural, functional, and spatial information, amino acid conservation, physicochemical variation, residue mobility, and thermodynamic stability) has been performed at Invitae for this missense variant, however the output from this modeling did not meet the statistical confidence thresholds required to predict the impact of this variant on FAS protein function. ClinVar contains an entry for this variant (Variation ID: 1438758). This variant has not been reported in the literature in individuals affected with FAS-related conditions. This variant is present in population databases (rs756880278, gnomAD 0.002%). This sequence change replaces arginine, which is basic and polar, with isoleucine, which is neutral and non-polar, at codon 203 of the FAS protein (p.Arg203Ile).

NM_000043.6(FAS):c.608G>T (p.Arg203Ile)

Gene: FAS (Fas cell surface death receptor; plus strand). Cytogenetic location: 10q23.31.
Variant type: single nucleotide variant.
Coding change: c.608G>T on transcript NM_000043.6 (MANE Select); coding-DNA position 608, G replaced by T.
Protein change: p.Arg203Ile; replaces arginine 203 with isoleucine.
Molecular consequence: missense variant. On other transcripts: non-coding transcript variant (6), intron variant (1).
Genome position (GRCh38, 1-based): chr10:89,012,038, G>T. VCF-style: chr10-89012038-G-T. GRCh37 (hg19) VCF-style: chr10-90771795-G-T.
Other names: c.545G>T, p.Arg182Ile (NM_152871.4); c.608G>T, p.Arg203Ile (NM_152872.4); c.568+1223G>T (NM_001320619.2); short protein forms R182I, R203I.
Identifiers: ClinVar variation 1438758 (VCV001438758.6), dbSNP rs756880278, ClinGen allele CA5593169.